The following is an entry in ClinVar:

ClinVar aggregate classification (germline): Pathogenic (1 of 4 stars; one submission).

Conditions:
Fanconi anemia (FA). Also called: Fanconi's anemia. Identifiers: Orphanet 84, MedGen C0015625, MeSH D005199, MONDO:0019391.

Submission:

Labcorp Genetics (formerly Invitae), Labcorp
Classification: Pathogenic for Fanconi anemia. Last evaluated: 2023-03-22. Review status: criteria provided, single submitter. Criteria: Invitae Variant Classification Sherloc (09022015). Collection method: clinical testing. Allele origin: germline.
Comment: For these reasons, this variant has been classified as Pathogenic. This variant has not been reported in the literature in individuals affected with FANCM-related conditions. This variant is not present in population databases (gnomAD no frequency). This sequence change creates a premature translational stop signal (p.Ser995Ilefs*16) in the FANCM gene. It is expected to result in an absent or disrupted protein product. Loss-of-function variants in FANCM are known to be pathogenic (PMID: 29895858, 30075111).

Literature cited by the submitters: PubMed 29895858; PubMed 30075111.

NM_020937.4(FANCM):c.2982dup (p.Ser995fs)

Gene: FANCM (FA complementation group M; plus strand). Cytogenetic location: 14q21.2.
Variant type: Duplication.
Coding change: c.2982dup on transcript NM_020937.4 (MANE Select); coding-DNA position 2982, one base duplicated (A; older notation c.2982dupA).
Protein change: p.Ser995fs; shifts the reading frame from serine 995.
Molecular consequence: frameshift variant.
Genome position (GRCh38, 1-based): chr14:45,175,736, A duplicated. VCF-style (leftmost placement, unchanged base first): chr14-45175735-T-TA. GRCh37 (hg19) VCF-style: chr14-45644938-T-TA.
Other names: c.2904dup, p.Ser969fs (NM_001308133.2); short protein forms S969fs, S995fs.
Identifiers: ClinVar variation 2848012 (VCV002848012.3), dbSNP rs2503185723, ClinGen allele CA2739277946.